The following is an entry in ClinVar:

ClinVar aggregate classification (germline): Uncertain significance (1 of 4 stars; one submission).

Allele frequency attached by ClinVar (database versions not stated): gnomAD exomes below 0.00001.
gnomAD v4.1: 2 of 1,612,512 alleles (0.00012%); highest among the groups gnomAD compares: Non-Finnish European, 0.00017%; no homozygotes.

Submission:

GeneDx
Classification: Uncertain significance. Last evaluated: 2022-03-29. Review status: criteria provided, single submitter. Criteria: GeneDx Variant Classification Process June 2021. Collection method: clinical testing. Allele origin: germline. Affected: yes.
Comment: Not observed at significant frequency in large population cohorts (gnomAD); In silico analysis supports that this missense variant has a deleterious effect on protein structure/function; Has not been previously published as pathogenic or benign to our knowledge

NM_000136.3(FANCC):c.272T>A (p.Ile91Lys)

Gene: FANCC (FA complementation group C; minus strand). Cytogenetic location: 9q22.32.
Variant type: single nucleotide variant.
Coding change: c.272T>A on transcript NM_000136.3 (MANE Select); coding-DNA position 272, T replaced by A.
Protein change: p.Ile91Lys; replaces isoleucine 91 with lysine.
Molecular consequence: missense variant.
Genome position (GRCh38, 1-based): chr9:95,240,722, A>T on the plus strand (T>A on the coding strand, the complement: FANCC is on the minus strand). VCF-style: chr9-95240722-A-T. GRCh37 (hg19) VCF-style: chr9-98003004-A-T.
Other names: c.272T>A, p.Ile91Lys (NM_001243743.2, NM_001243744.2); short protein forms I91K.
Identifiers: ClinVar variation 1707915 (VCV001707915.2), dbSNP rs730881730, ClinGen allele CA374339445.